The following is an entry in ClinVar:

NM_005431.2(XRCC2):c.811ATT[1] (p.Ile272del)

Gene: XRCC2 (X-ray repair cross complementing 2; minus strand). Cytogenetic location: 7q36.1.
Variant type: Microsatellite.
Coding change: c.811ATT[1] on transcript NM_005431.2 (MANE Select); one copy of the 3-base unit ATT starting at c.811; the reference has two copies in a row; one copy, 3 bases deleted.
Protein change: p.Ile272del; deletes isoleucine 272.
Molecular consequence: inframe deletion.
Genome position (GRCh38, 1-based): chr7:152,648,669-152,648,671, AAT deleted on the plus strand (ATT on the coding strand, the reverse complement: XRCC2 is on the minus strand); deleting any 3 consecutive bases within chr7:152,648,669-152,648,676 gives the same sequence; the position shown is the placement nearest the transcript's 3' end. VCF-style (leftmost placement, unchanged base first): chr7-152648668-CAAT-C. GRCh37 (hg19) VCF-style: chr7-152345753-CAAT-C.
Other names: short protein forms I272del.
Identifiers: ClinVar variation 1762168 (VCV001762168.2), dbSNP rs2098027092, ClinGen allele CA1108857565.
Genomic context (GRCh38, chr7:152,648,668, plus strand): 5'-TAGTACCCTGCAAAAGACTATTTTATGATGTATATCAACAAAATTCAACCCCACTTTCTC[CAAT>C]AATAAAAAAATGTTTTTTTAAACTGTTACTTTTTAAACAACGTGAAACTAATGAAAATTG-3'

ClinVar aggregate classification (germline): Uncertain significance (1 of 4 stars; one submission).

Conditions:
Hereditary cancer-predisposing syndrome. Also called: Neoplastic Syndromes, Hereditary; Tumor predisposition; Hereditary Cancer Syndrome; Hereditary neoplastic syndrome. Identifiers: Orphanet 140162, MedGen C0027672, MeSH D009386, MONDO:0015356.

Submission:

Ambry Genetics
Classification: Uncertain significance for Hereditary cancer-predisposing syndrome. Last evaluated: 2021-09-27. Review status: criteria provided, single submitter. Criteria: Ambry Variant Classification Scheme 2023. Collection method: clinical testing. Allele origin: germline.
Comment: The c.814_816delATT variant (also known as p.I272del) is located in coding exon 3 of the XRCC2 gene. This variant results from an in-frame ATT deletion at nucleotide positions 814 to 816. This results in the in-frame deletion of an isoleucine at codon 272. This amino acid position is well conserved in available vertebrate species. In addition, this alteration is predicted to be neutral by in silico analysis (Choi Y et al. PLoS ONE. 2012; 7(10):e46688). Since supporting evidence is limited at this time, the clinical significance of this alteration remains unclear.